The following is an entry in ClinVar:

ClinVar aggregate classification (germline): Pathogenic (1 of 4 stars; one submission).

Conditions:
Fanconi anemia (FA). Also called: Fanconi's anemia. Identifiers: Orphanet 84, MedGen C0015625, MeSH D005199, MONDO:0019391.

Submission:

Women's Health and Genetics/Laboratory Corporation of America, LabCorp
Classification: Pathogenic for Fanconi anemia. Last evaluated: 2022-08-22. Review status: criteria provided, single submitter. Criteria: LabCorp Variant Classification Summary - May 2015. Collection method: clinical testing. Allele origin: germline.
Comment: Variant summary: The variant identified by MLPA or other technology involves the deletion of the full coding sequence of the FANCF gene (which is a single exon gene). A presumed nomenclature of c.(?_-32)_(*2154_?)del has been designated for the purposes of this classification. Since the exact breakpoints of this deletion are not known, it might extend beyond the assayed region of the FANCF gene, including other flanking genes. The variant was absent in 21634 control chromosomes (gnomAD database, Structural Variants dataset). To our knowledge, no occurrence of c.(?_-32)_(*2154_?)del in individuals affected with Fanconi Anemia and no experimental evidence demonstrating its impact on protein function have been reported. This alteration is predicted to result in an absent FANCF protein. Variants that result in the complete loss of FANCF has been identified in several individuals with Fanconi anemia complementation group F (e.g. PMID: 10615118, 33960719). No clinical diagnostic laboratories have submitted clinical-significance assessments for this variant to ClinVar after 2014. Based on the evidence outlined above, the variant was classified as pathogenic.

NC_000011.9:g.(?_22644078)_(22647388_?)del

Gene: FANCF (FA complementation group F; minus strand). Cytogenetic location: 11p14.3.
Variant type: Deletion.
Identifiers: ClinVar variation 1677115 (VCV001677115.2).